The following is an entry in ClinVar:

NM_000038.6(APC):c.3458A>T (p.His1153Leu)

Gene: APC (APC regulator of Wnt signaling pathway; plus strand). Cytogenetic location: 5q22.2.
Variant type: single nucleotide variant.
Coding change: c.3458A>T on transcript NM_000038.6 (MANE Select); coding-DNA position 3458, A replaced by T.
Protein change: p.His1153Leu; replaces histidine 1153 with leucine.
Molecular consequence: missense variant.
Genome position (GRCh38, 1-based): chr5:112,839,052, A>T. VCF-style: chr5-112839052-A-T. GRCh37 (hg19) VCF-style: chr5-112174749-A-T.
Other names: c.3458A>T, p.His1153Leu (NM_001127510.3, NM_001354895.2); c.3404A>T, p.His1135Leu (NM_001127511.3); c.3512A>T, p.His1171Leu (NM_001354896.2); c.3488A>T, p.His1163Leu (NM_001354897.2); c.3383A>T, p.His1128Leu (NM_001354898.2); c.3374A>T, p.His1125Leu (NM_001354899.2); c.3335A>T, p.His1112Leu (NM_001354900.2); c.3281A>T, p.His1094Leu (NM_001354901.2); and 5 more; short protein forms H1094L, H1112L, H1163L, H1027L, H1052L, H1171L, H1125L, H1135L.
Identifiers: ClinVar variation 943979 (VCV000943979.12), dbSNP rs1554085017, ClinGen allele CA16028920.

ClinVar aggregate classification (germline): Uncertain significance. Review status: criteria provided, multiple submitters, no conflicts (2 of 4 stars). 2 submissions from 2 submitters: Uncertain significance (2). Last evaluated 2024-05-04.

Conditions:
Hereditary cancer-predisposing syndrome. Also called: Neoplastic Syndromes, Hereditary; Hereditary Cancer Syndrome; Tumor predisposition; Hereditary neoplastic syndrome. Identifiers: Orphanet 140162, MedGen C0027672, MeSH D009386, MONDO:0015356.
Familial adenomatous polyposis 1 (FAP1). Also called: POLYPOSIS, ADENOMATOUS INTESTINAL; FAMILIAL ADENOMATOUS POLYPOSIS 1, ATTENUATED. Identifiers: MedGen C2713442, MONDO:0021056, OMIM 175100. Disease mechanism: loss of function.

Allele frequency attached by ClinVar (database versions not stated): gnomAD exomes below 0.00001.
gnomAD v4.1: 1 of 1,614,124 alleles (0.000062%); highest among the groups gnomAD compares: Non-Finnish European, 0.000085%; no homozygotes.

Submissions (2):

Color Diagnostics, LLC DBA Color Health
Classification: Uncertain significance for Hereditary cancer-predisposing syndrome. Last evaluated: 2024-05-04. Review status: criteria provided, single submitter. Criteria: ACMG Guidelines, 2015. Collection method: clinical testing. Allele origin: germline.
Comment: This missense variant replaces histidine with leucine at codon 1153 of the APC protein. Computational prediction suggests that this variant may not impact protein structure and function (internally defined REVEL score threshold <= 0.5, PMID: 27666373). To our knowledge, functional studies have not been reported for this variant. This variant has not been reported in individuals affected with APC-related disorders in the literature. This variant has not been identified in the general population by the Genome Aggregation Database (gnomAD). The available evidence is insufficient to determine the role of this variant in disease conclusively. Therefore, this variant is classified as a Variant of Uncertain Significance.

Labcorp Genetics (formerly Invitae), Labcorp
Classification: Uncertain significance for Familial adenomatous polyposis 1. Last evaluated: 2022-01-01. Review status: criteria provided, single submitter. Criteria: Invitae Variant Classification Sherloc (09022015). Collection method: clinical testing. Allele origin: germline.
Comment: In summary, the available evidence is currently insufficient to determine the role of this variant in disease. Therefore, it has been classified as a Variant of Uncertain Significance. Algorithms developed to predict the effect of missense changes on protein structure and function (SIFT, PolyPhen-2, Align-GVGD) all suggest that this variant is likely to be tolerated. ClinVar contains an entry for this variant (Variation ID: 943979). This variant has not been reported in the literature in individuals affected with APC-related conditions. This variant is not present in population databases (gnomAD no frequency). This sequence change replaces histidine, which is basic and polar, with leucine, which is neutral and non-polar, at codon 1153 of the APC protein (p.His1153Leu).